The following is an entry in ClinVar:

ClinVar aggregate classification (germline): Uncertain significance (1 of 4 stars; one submission).

Conditions:
Developmental and epileptic encephalopathy, 12 (DEE12). Identifiers: MedGen C3150988, MONDO:0013389, OMIM 613722.

Allele frequency attached by ClinVar (database versions not stated): ESP Exome Variant Server 0.00008.
gnomAD v4.1: 4 of 1,614,132 alleles (0.00025%); highest among the groups gnomAD compares: Non-Finnish European, 0.00034%; no homozygotes.

Submission:

Labcorp Genetics (formerly Invitae), Labcorp
Classification: Uncertain significance for Developmental and epileptic encephalopathy, 12. Last evaluated: 2021-03-25. Review status: criteria provided, single submitter. Criteria: Invitae Variant Classification Sherloc (09022015). Collection method: clinical testing. Allele origin: germline.
Comment: This sequence change replaces threonine with alanine at codon 157 of the PNKP protein (p.Thr157Ala). The threonine residue is highly conserved and there is a small physicochemical difference between threonine and alanine. This variant is not present in population databases (ExAC no frequency). This variant has not been reported in the literature in individuals with PNKP-related conditions. Algorithms developed to predict the effect of missense changes on protein structure and function are either unavailable or do not agree on the potential impact of this missense change (SIFT: "Deleterious"; PolyPhen-2: "Benign"; Align-GVGD: "Class C55"). In summary, the available evidence is currently insufficient to determine the role of this variant in disease. Therefore, it has been classified as a Variant of Uncertain Significance.

NM_007254.4(PNKP):c.469A>G (p.Thr157Ala)

Gene: PNKP (polynucleotide kinase 3'-phosphatase; minus strand). Cytogenetic location: 19q13.33.
Variant type: single nucleotide variant.
Coding change: c.469A>G on transcript NM_007254.4 (MANE Select); coding-DNA position 469, A replaced by G.
Protein change: p.Thr157Ala; replaces threonine 157 with alanine.
Molecular consequence: missense variant.
Genome position (GRCh38, 1-based): chr19:49,865,156, T>C on the plus strand (A>G on the coding strand, the complement: PNKP is on the minus strand). VCF-style: chr19-49865156-T-C. GRCh37 (hg19) VCF-style: chr19-50368413-T-C.
Other names: short protein forms T157A.
Identifiers: ClinVar variation 1008935 (VCV001008935.9), dbSNP rs376383779, ClinGen allele CA309498377.